The following is an entry in ClinVar:

ClinVar aggregate classification (germline): Uncertain significance (1 of 4 stars; one submission).

Conditions:
Cardiovascular phenotype. Identifiers: MedGen CN230736.
Hereditary cancer-predisposing syndrome. Also called: Neoplastic Syndromes, Hereditary; Tumor predisposition; Hereditary neoplastic syndrome; Hereditary Cancer Syndrome. Identifiers: Orphanet 140162, MedGen C0027672, MeSH D009386, MONDO:0015356.

Submission:

Ambry Genetics
Classification: Uncertain significance for Cardiovascular phenotype; Hereditary cancer-predisposing syndrome. Last evaluated: 2026-08-25. Review status: criteria provided, single submitter. Criteria: Ambry Variant Classification Scheme 2023. Collection method: clinical testing. Allele origin: germline.
Comment: The c.5203_5205delAAA variant (also known as p.K1735del) is located in coding exon 36 of the NF1 gene. This variant results from an in-frame AAA deletion at nucleotide positions 5203 to 5205. This results in the in-frame deletion of a lysine at codon 1735. This variant was reported in individual(s) with features consistent with Neurofibromatosis type 1 (Ambry internal data). In silico splice site analysis predicts that this alteration will weaken the native splice donor site and will result in the creation or strengthening of a novel splice donor site; however, direct evidence is insufficient at this time (Ambry internal data). This amino acid position is highly conserved in available vertebrate species. Based on the available evidence, the clinical significance of this variant remains unclear.

NM_001042492.3(NF1):c.5266_5268del (p.Lys1756del)

Gene: NF1 (neurofibromin 1; plus strand). Cytogenetic location: 17q11.2.
Variant type: Deletion.
Coding change: c.5266_5268del on transcript NM_001042492.3 (MANE Select); coding-DNA positions 5266 to 5268, 3 bases deleted (AAA; older notation c.5266_5268delAAA).
Protein change: p.Lys1756del; deletes lysine 1756.
Genome position (GRCh38, 1-based): chr17:31,326,250-31,326,252, AAA deleted. VCF-style (leftmost placement, unchanged base first): chr17-31326249-TAAA-T. GRCh37 (hg19) VCF-style: chr17-29653267-TAAA-T.
Other names: c.5203_5205del, p.Lys1735del (NM_000267.4); short protein forms K1756del, K1735del.
Identifiers: ClinVar variation 5025615 (VCV005025615.1).